The following is an entry in ClinVar:

ClinVar aggregate classification (germline): Likely benign. Review status: criteria provided, multiple submitters, no conflicts (2 of 4 stars). 3 submissions from 3 submitters: Likely benign (3). Last evaluated 2025-11-03.

Conditions:
Cardiomyopathy (CMYO). Also called: Cardiomyopathies. Identifiers: Orphanet 167848, MedGen C0878544, MONDO:0004994, HP:0001638. Inheritance: Various modes of inheritance.
Hypertrophic cardiomyopathy. Also called: HYPERTROPHIC MYOCARDIOPATHY. Identifiers: Orphanet 217569, MedGen C0007194, MeSH D002312, MONDO:0005045, HP:0001639.

Allele frequency attached by ClinVar (database versions not stated): ExAC 0.00001; gnomAD exomes 0.00001 and below 0.00001.
gnomAD v4.1: 18 of 1,614,134 alleles (0.0011%); highest among the groups gnomAD compares: Non-Finnish European, 0.0015%; no homozygotes.

Submissions (3):

Labcorp Genetics (formerly Invitae), Labcorp
Classification: Likely benign for Hypertrophic cardiomyopathy. Last evaluated: 2025-11-03. Review status: criteria provided, single submitter. Criteria: Invitae Variant Classification Sherloc (09022015). Collection method: clinical testing. Allele origin: germline.

All of Us Research Program, National Institutes of Health
Classification: Likely benign for Cardiomyopathy. Last evaluated: 2023-12-13. Review status: criteria provided, single submitter. Criteria: ACMG Guidelines, 2015. Collection method: clinical testing. Allele origin: germline. Inheritance: Autosomal dominant inheritance. Observed: 7 variant alleles, 7 heterozygotes.
Comment: This study involves interpretation of variants in research participants for the purpose of population health screening. Participant phenotype was not available at the time of variant classification. Additional details can be found in publication PMID: 35346344, PMCID: PMC8962531

Color Diagnostics, LLC DBA Color Health
Classification: Likely benign for Cardiomyopathy. Last evaluated: 2019-03-09. Review status: criteria provided, single submitter. Criteria: ACMG Guidelines, 2015. Collection method: clinical testing. Allele origin: germline.

NM_000257.4(MYH7):c.3854-10G>A

Gene: MYH7 (myosin heavy chain 7; minus strand). Cytogenetic location: 14q11.2.
Variant type: single nucleotide variant.
Coding change: c.3854-10G>A on transcript NM_000257.4 (MANE Select); 10 bases into the intron before coding-DNA position 3854, G replaced by A.
Molecular consequence: intron variant.
Genome position (GRCh38, 1-based): chr14:23,419,305, C>T on the plus strand (G>A on the coding strand, the complement: MYH7 is on the minus strand). VCF-style: chr14-23419305-C-T. GRCh37 (hg19) VCF-style: chr14-23888514-C-T.
Other names: c.3854-10G>A (LRG_384t1).
Identifiers: ClinVar variation 407173 (VCV000407173.12), dbSNP rs755774024, ClinGen allele CA039270.